The following is an entry in ClinVar:

NM_032447.5(FBN3):c.3427G>A (p.Gly1143Ser)

Gene: FBN3 (fibrillin 3; minus strand). Cytogenetic location: 19p13.2.
Variant type: single nucleotide variant.
Coding change: c.3427G>A on transcript NM_032447.5 (MANE Select); coding-DNA position 3427, G replaced by A.
Protein change: p.Gly1143Ser; replaces glycine 1143 with serine.
Molecular consequence: missense variant.
Genome position (GRCh38, 1-based): chr19:8,117,500, C>T on the plus strand (G>A on the coding strand, the complement: FBN3 is on the minus strand). VCF-style: chr19-8117500-C-T. GRCh37 (hg19) VCF-style: chr19-8182384-C-T.
Other names: c.3427G>A, p.Gly1143Ser (NM_001321431.2); c.3427G>A (NM_032447.3); short protein forms G1143S.
Identifiers: ClinVar variation 2150331 (VCV002150331.5), dbSNP rs146699928, ClinGen allele CA9152457.
Genomic context (GRCh38, chr19:8,117,500, plus strand): 5'-GCCAGCAGGTGGGCACAGTCTCACCCACGCAGCCCTGGCGGTCAGGTGTGCTCTGGAAGC[C>T]GGCATGGCAGGAGCACTGGAAGGCACCGATGACATTGACACACTGGCCATGGGGACACAG-3'
Protein context (NP_115823.3, residues 1133-1153): IGAFQCSCHA[Gly1143Ser]FQSTPDRQGC

ClinVar aggregate classification (germline): Uncertain significance. Review status: criteria provided, multiple submitters, no conflicts (2 of 4 stars). 2 submissions from 2 submitters: Uncertain significance (2). Last evaluated 2025-06-13.

Allele frequency attached by ClinVar (database versions not stated): gnomAD exomes 0.00003; TOPMed 0.00011; gnomAD 0.00013; ESP Exome Variant Server 0.00015; 1000 Genomes Project 30x 0.00016; ExAC 0.00017; 1000 Genomes Project 0.00020.
gnomAD v4.1: 60 of 1,560,262 alleles (0.0038%); highest among the groups gnomAD compares: African/African-American, 0.046%; no homozygotes.

Submissions (2):

Labcorp Genetics (formerly Invitae), Labcorp
Classification: Uncertain significance. Last evaluated: 2025-06-13. Review status: criteria provided, single submitter. Criteria: Invitae Variant Classification Sherloc (09022015). Collection method: clinical testing. Allele origin: germline.
Comment: This sequence change replaces glycine, which is neutral and non-polar, with serine, which is neutral and polar, at codon 1143 of the FBN3 protein (p.Gly1143Ser). This variant is present in population databases (rs146699928, gnomAD 0.06%), and has an allele count higher than expected for a pathogenic variant. This variant has not been reported in the literature in individuals affected with FBN3-related conditions. ClinVar contains an entry for this variant (Variation ID: 2150331). Invitae Evidence Modeling of protein sequence and biophysical properties (such as structural, functional, and spatial information, amino acid conservation, physicochemical variation, residue mobility, and thermodynamic stability) indicates that this missense variant is expected to disrupt FBN3 protein function with a positive predictive value of 80%. In summary, the available evidence is currently insufficient to determine the role of this variant in disease. Therefore, it has been classified as a Variant of Uncertain Significance.

Ambry Genetics
Classification: Uncertain significance. Last evaluated: 2024-09-30. Review status: criteria provided, single submitter. Criteria: Ambry Variant Classification Scheme 2023. Collection method: clinical testing. Allele origin: germline.